The following is an entry in ClinVar:

NM_000138.5(FBN1):c.2167G>C (p.Asp723His)

Gene: FBN1 (fibrillin 1; minus strand). Cytogenetic location: 15q21.1.
Variant type: single nucleotide variant.
Coding change: c.2167G>C on transcript NM_000138.5 (MANE Select); coding-DNA position 2167, G replaced by C.
Protein change: p.Asp723His; replaces aspartic acid 723 with histidine.
Molecular consequence: missense variant.
Genome position (GRCh38, 1-based): chr15:48,498,985, C>G on the plus strand (G>C on the coding strand, the complement: FBN1 is on the minus strand). VCF-style: chr15-48498985-C-G. GRCh37 (hg19) VCF-style: chr15-48791182-C-G.
Other names: c.2167G>C, p.Asp723His (NM_001406716.1); short protein forms D723H.
Identifiers: ClinVar variation 4687179 (VCV004687179.2).

ClinVar aggregate classification (germline): Conflicting classifications of pathogenicity. Review status: criteria provided, conflicting classifications (1 of 4 stars). 2 submissions from 2 submitters: Likely pathogenic (1); Uncertain significance (1). Last evaluated 2025-12-24.

Conditions:
Familial thoracic aortic aneurysm and aortic dissection (TAAD). Also called: Thoracic aortic aneurysms and dissections. Identifiers: Orphanet 91387, MedGen C4707243, MONDO:0019625.
Marfan syndrome (MFS). Also called: MARFAN SYNDROME, TYPE I; Marfan syndrome type 1; Marfan's syndrome; Marfan syndrome, classic; FBN1-Related Marfan Syndrome. Identifiers: Orphanet 284963, Orphanet 558, MedGen C0024796, MONDO:0007947, OMIM 154700.

Submissions (2):

Labcorp Genetics (formerly Invitae), Labcorp
Classification: Likely pathogenic for Marfan syndrome; Familial thoracic aortic aneurysm and aortic dissection. Last evaluated: 2025-12-24. Review status: criteria provided, single submitter. Criteria: Invitae Variant Classification Sherloc (09022015). Collection method: clinical testing. Allele origin: germline.
Comment: This sequence change replaces aspartic acid, which is acidic and polar, with histidine, which is basic and polar, at codon 723 of the FBN1 protein (p.Asp723His). This variant also falls at the last nucleotide of exon 18, which is part of the consensus splice site for this exon. This variant is not present in population databases (gnomAD no frequency). This missense change has been observed in individual(s) with clinical features of Marfan syndrome (internal data). An algorithm developed to predict the effect of missense changes on protein structure and function (PolyPhen-2) suggests that this variant is likely to be disruptive. Variants that disrupt the consensus splice site are a relatively common cause of aberrant splicing (PMID: 17576681, 9536098). Algorithms developed to predict the effect of sequence changes on RNA splicing suggest that this variant may disrupt the consensus splice site. This variant disrupts the p.Asp723 amino acid residue in FBN1. Other variant(s) that disrupt this residue have been determined to be pathogenic (PMID: 8406497, 12203987). This suggests that this residue is clinically significant, and that variants that disrupt this residue are likely to be disease-causing. In summary, the currently available evidence indicates that the variant is pathogenic, but additional data are needed to prove that conclusively. Therefore, this variant has been classified as Likely Pathogenic.

Women's Health and Genetics/Laboratory Corporation of America, LabCorp
Classification: Uncertain significance. Last evaluated: 2025-10-20. Review status: criteria provided, single submitter. Criteria: LabCorp Variant Classification Summary - May 2015. Collection method: clinical testing. Allele origin: germline.
Comment: Variant summary: FBN1 c.2167G>C (p.Asp723His) results in a non-conservative amino acid change in the encoded protein sequence. Algorithms developed to predict the effect of missense changes on protein structure and function all suggest that this variant is likely to be disruptive. Several computational tools predict a significant impact on normal splicing: Four predict the variant weakens the canonical 5' donor site. One predict the variant creates a cryptic 5' donor site. However, these predictions have yet to be confirmed by functional studies. The variant was absent in 251488 control chromosomes. The available data on variant occurrences in the general population are insufficient to allow any conclusion about variant significance. To our knowledge, no occurrence of c.2167G>C in individuals affected with FBN1-related conditions and no experimental evidence demonstrating its impact on protein function have been reported. Additionally, at least one variant at the Arg723 residue has been associated with disease in ClinVar (p.Asp723Ala), suggesting that this codon is functionally important. No submitters have cited clinical-significance assessments for this variant to ClinVar. Based on the evidence outlined above, the variant was classified as uncertain significance.

Literature cited by the submitters: PubMed 17576681 (cited by Labcorp Genetics (formerly Invitae), Labcorp); PubMed 9536098 (cited by Labcorp Genetics (formerly Invitae), Labcorp); PubMed 8406497 (cited by Labcorp Genetics (formerly Invitae), Labcorp); PubMed 12203987 (cited by Labcorp Genetics (formerly Invitae), Labcorp).